The following is an entry in ClinVar:

NM_000836.4(GRIN2D):c.3229G>A (p.Gly1077Ser)

Gene: GRIN2D (glutamate ionotropic receptor NMDA type subunit 2D; plus strand). Cytogenetic location: 19q13.33.
Variant type: single nucleotide variant.
Coding change: c.3229G>A on transcript NM_000836.4 (MANE Select); coding-DNA position 3229, G replaced by A.
Protein change: p.Gly1077Ser; replaces glycine 1077 with serine.
Molecular consequence: missense variant.
Genome position (GRCh38, 1-based): chr19:48,443,155, G>A. VCF-style: chr19-48443155-G-A. GRCh37 (hg19) VCF-style: chr19-48946412-G-A.
Other names: c.3229G>A (NM_000836.2); short protein forms G1077S.
Identifiers: ClinVar variation 2822982 (VCV002822982.4), dbSNP rs2513692814, ClinGen allele CA406675148.

ClinVar aggregate classification (germline): Uncertain significance. Review status: criteria provided, multiple submitters, no conflicts (2 of 4 stars). 2 submissions from 2 submitters: Uncertain significance (2). Last evaluated 2025-11-13.

Conditions:
Inborn genetic diseases. Identifiers: MedGen C0950123, MeSH D030342.

Submissions (2):

Ambry Genetics
Classification: Uncertain significance for Inborn genetic diseases. Last evaluated: 2025-11-13. Review status: criteria provided, single submitter. Criteria: Ambry Variant Classification Scheme 2023. Collection method: clinical testing. Allele origin: germline.

Labcorp Genetics (formerly Invitae), Labcorp
Classification: Uncertain significance. Last evaluated: 2025-11-13. Review status: criteria provided, single submitter. Criteria: Invitae Variant Classification Sherloc (09022015). Collection method: clinical testing. Allele origin: germline.
Comment: This sequence change replaces glycine, which is neutral and non-polar, with serine, which is neutral and polar, at codon 1077 of the GRIN2D protein (p.Gly1077Ser). The frequency data for this variant in the population databases is considered unreliable, as metrics indicate insufficient coverage at this position in the gnomAD database. This variant has not been reported in the literature in individuals affected with GRIN2D-related conditions. ClinVar contains an entry for this variant (Variation ID: 2822982). Invitae Evidence Modeling of protein sequence and biophysical properties (such as structural, functional, and spatial information, amino acid conservation, physicochemical variation, residue mobility, and thermodynamic stability) indicates that this missense variant is not expected to disrupt GRIN2D protein function with a negative predictive value of 95%. In summary, the available evidence is currently insufficient to determine the role of this variant in disease. Therefore, it has been classified as a Variant of Uncertain Significance.